The following is an entry in ClinVar:

ClinVar aggregate classification (germline): Likely benign (1 of 4 stars; one submission).

gnomAD v4.1: 1 of 1,613,770 alleles (0.000062%); highest among the groups gnomAD compares: Non-Finnish European, 0.000085%; no homozygotes.

Submission:

CeGaT Center for Human Genetics Tuebingen
Classification: Likely benign. Last evaluated: 2026-06-01. Review status: criteria provided, single submitter. Criteria: CeGaT Center For Human Genetics Tuebingen Variant Classification Criteria Version 2. Collection method: clinical testing. Allele origin: germline. Affected: yes. Observed: 3 variant alleles.
Comment: CDC27: BP4, BP7

NM_001256.6(CDC27):c.517T>C (p.Leu173=)

Gene: CDC27 (cell division cycle 27; minus strand). Cytogenetic location: 17q21.32.
Variant type: single nucleotide variant.
Coding change: c.517T>C on transcript NM_001256.6 (MANE Select); coding-DNA position 517, T replaced by C.
Protein change: p.Leu173=; no amino-acid change (leucine 173 retained).
Molecular consequence: synonymous variant. On other transcripts: 5 prime UTR variant (1), non-coding transcript variant (1).
Genome position (GRCh38, 1-based): chr17:47,157,343, A>G on the plus strand (T>C on the coding strand, the complement: CDC27 is on the minus strand). VCF-style: chr17-47157343-A-G. GRCh37 (hg19) VCF-style: chr17-45234709-A-G.
Other names: c.517T>C, p.Leu173= (NM_001114091.4, NM_001293089.3, NM_001353035.2 and 1 more transcripts); c.334T>C, p.Leu112= (NM_001293091.3, NM_001353049.2); c.208T>C, p.Leu70= (NM_001353050.2); c.-753T>C (NM_001353051.2).
Identifiers: ClinVar variation 3777815 (VCV003777815.7).
Genomic context (GRCh38, chr17:47,157,343, plus strand): 5'-AACTATGATTAGGTACTTGTGTTGTGCAAGAGTTGGGCAGACAGTTGCTAAAGTTCTGTA[A>G]AGATGTGAATTTAAATGTTTGGTCAGGATCTGGCTTTTCACCTGTGAAGACAAAAAAAAA-3'
Protein context (NP_001247.3, residues 163-183): DPDQTFKFTS[Leu173=]QNFSNCLPNS